The following is an entry in ClinVar:

ClinVar aggregate classification (germline): Uncertain significance (0 of 4 stars; one submission).

Conditions:
IFT74-related disorder. Also called: IFT74-related condition; IFT74-Related Disorders.

Submission:

PreventionGenetics, part of Exact Sciences
Classification: Uncertain significance for IFT74-related condition. Last evaluated: 2024-03-19. Review status: no assertion criteria provided. Collection method: clinical testing. Allele origin: germline.
Comment: The IFT74 c.1044G>T variant is predicted to result in the amino acid substitution p.Glu348Asp. To our knowledge, this variant has not been reported in the literature or in a large population database, indicating this variant is rare. At this time, the clinical significance of this variant is uncertain due to the absence of conclusive functional and genetic evidence.

NM_025103.4(IFT74):c.1044G>T (p.Glu348Asp)

Gene: IFT74 (intraflagellar transport 74; plus strand). Cytogenetic location: 9p21.2.
Variant type: single nucleotide variant.
Coding change: c.1044G>T on transcript NM_025103.4 (MANE Select); coding-DNA position 1044, G replaced by T.
Protein change: p.Glu348Asp; replaces glutamic acid 348 with aspartic acid.
Molecular consequence: missense variant.
Genome position (GRCh38, 1-based): chr9:27,029,094, G>T. VCF-style: chr9-27029094-G-T. GRCh37 (hg19) VCF-style: chr9-27029092-G-T.
Other names: c.1044G>T, p.Glu348Asp (NM_001099222.3, NM_001099223.3, NM_001099224.3 and 1 more transcripts); short protein forms E348D.
Identifiers: ClinVar variation 3358542 (VCV003358542.1).